The following is an entry in ClinVar:

ClinVar aggregate classification (germline): Likely benign. Review status: criteria provided, multiple submitters, no conflicts (2 of 4 stars). 4 submissions from 4 submitters: Likely benign (4). Last evaluated 2025-11-09.

Allele frequency attached by ClinVar (database versions not stated): gnomAD exomes 0.00001; TOPMed 0.00001; ExAC 0.00002; gnomAD 0.00003.
gnomAD v4.1: 38 of 1,589,330 alleles (0.0024%); highest among the groups gnomAD compares: Non-Finnish European, 0.0033%; no homozygotes.

Submissions (4):

Mayo Clinic Laboratories, Mayo Clinic
Classification: Likely benign. Last evaluated: 2025-11-09. Review status: criteria provided, single submitter. Criteria: ACMG Guidelines, 2015. Collection method: clinical testing. Allele origin: germline. Observed: 1 variant allele.
Comment: BP4, BP7

CeGaT Center for Human Genetics Tuebingen
Classification: Likely benign. Last evaluated: 2025-10-01. Review status: criteria provided, single submitter. Criteria: CeGaT Center For Human Genetics Tuebingen Variant Classification Criteria Version 2. Collection method: clinical testing. Allele origin: germline. Affected: yes. Observed: 1 variant allele.
Comment: SRP54: BP4, BP7

Labcorp Genetics (formerly Invitae), Labcorp
Classification: Likely benign. Last evaluated: 2024-12-23. Review status: criteria provided, single submitter. Criteria: Invitae Variant Classification Sherloc (09022015). Collection method: clinical testing. Allele origin: germline.

Blueprint Genetics
Classification: Likely benign. Last evaluated: 2024-11-01. Review status: criteria provided, single submitter. Criteria: ACMG Guidelines, 2015. Collection method: clinical testing. Allele origin: germline.

NM_003136.4(SRP54):c.339T>G (p.Gly113=)

Gene: SRP54 (signal recognition particle 54; plus strand). Cytogenetic location: 14q13.2.
Variant type: single nucleotide variant.
Coding change: c.339T>G on transcript NM_003136.4 (MANE Select); coding-DNA position 339, T replaced by G.
Protein change: p.Gly113=; no amino-acid change (glycine 113 retained).
Molecular consequence: synonymous variant.
Genome position (GRCh38, 1-based): chr14:35,007,366, T>G. VCF-style: chr14-35007366-T-G. GRCh37 (hg19) VCF-style: chr14-35476572-T-G.
Other names: p.Gly113=; c.192T>G, p.Gly64= (NM_001146282.2).
Identifiers: ClinVar variation 1587135 (VCV001587135.16), dbSNP rs781380548, ClinGen allele CA7153554.